The following is an entry in ClinVar:

NM_198428.3(BBS9):c.136A>T (p.Met46Leu)

Gene: BBS9 (Bardet-Biedl syndrome 9; plus strand). Cytogenetic location: 7p14.3.
Variant type: single nucleotide variant.
Coding change: c.136A>T on transcript NM_198428.3 (MANE Select); coding-DNA position 136, A replaced by T.
Protein change: p.Met46Leu; replaces methionine 46 with leucine.
Molecular consequence: missense variant. On other transcripts: 5 prime UTR variant (4), initiator codon variant (1), non-coding transcript variant (3), intron variant (2).
Genome position (GRCh38, 1-based): chr7:33,152,724, A>T. VCF-style: chr7-33152724-A-T. GRCh37 (hg19) VCF-style: chr7-33192336-A-T.
Other names: c.136A>T, p.Met46Leu (NM_001033604.2, NM_001033605.2, NM_001348036.1 and 7 more transcripts); c.-166A>T (NM_001348037.3, NM_001348045.3); c.-142A>T (NM_001348038.3, NM_001348039.3); c.1A>T, p.Met1Leu (NM_001348042.3); c.-39+22683A>T (NM_001348046.3, NM_001348044.3); short protein forms M1L, M46L.
Identifiers: ClinVar variation 1720376 (VCV001720376.6), dbSNP rs1028914924, ClinGen allele CA156277380.

ClinVar aggregate classification (germline): Uncertain significance (1 of 4 stars; one submission).

Conditions:
Bardet-Biedl syndrome (BBS). Identifiers: Orphanet 110, MedGen C0752166, MONDO:0015229.

Submission:

Labcorp Genetics (formerly Invitae), Labcorp
Classification: Uncertain significance for Bardet-Biedl syndrome. Last evaluated: 2022-07-20. Review status: criteria provided, single submitter. Criteria: Invitae Variant Classification Sherloc (09022015). Collection method: clinical testing. Allele origin: germline.
Comment: In summary, the available evidence is currently insufficient to determine the role of this variant in disease. Therefore, it has been classified as a Variant of Uncertain Significance. Algorithms developed to predict the effect of missense changes on protein structure and function are either unavailable or do not agree on the potential impact of this missense change (SIFT: "Deleterious"; PolyPhen-2: "Benign"; Align-GVGD: "Class C0"). This variant has not been reported in the literature in individuals affected with BBS9-related conditions. This variant is not present in population databases (gnomAD no frequency). This sequence change replaces methionine, which is neutral and non-polar, with leucine, which is neutral and non-polar, at codon 46 of the BBS9 protein (p.Met46Leu).